The following is an entry in ClinVar:

ClinVar aggregate classification (germline): Uncertain significance. Review status: criteria provided, multiple submitters, no conflicts (2 of 4 stars). 3 submissions from 3 submitters: Uncertain significance (3). Last evaluated 2024-12-30.

Allele frequency attached by ClinVar (database versions not stated): gnomAD 0.00001; TOPMed 0.00002; gnomAD exomes 0.00003 and 0.00004; ExAC 0.00006.
gnomAD v4.1: 46 of 1,606,658 alleles (0.0029%); highest among the groups gnomAD compares: Middle Eastern, 0.033%; 1 homozygote.

Submissions (3):

Ambry Genetics
Classification: Uncertain significance. Last evaluated: 2024-12-30. Review status: criteria provided, single submitter. Criteria: Ambry Variant Classification Scheme 2023. Collection method: clinical testing. Allele origin: germline.

Blueprint Genetics
Classification: Uncertain significance. Last evaluated: 2023-01-24. Review status: criteria provided, single submitter. Criteria: ACMG Guidelines, 2015. Collection method: clinical testing. Allele origin: germline.

Labcorp Genetics (formerly Invitae), Labcorp
Classification: Uncertain significance. Last evaluated: 2022-05-08. Review status: criteria provided, single submitter. Criteria: Invitae Variant Classification Sherloc (09022015). Collection method: clinical testing. Allele origin: germline.
Comment: This sequence change replaces isoleucine, which is neutral and non-polar, with threonine, which is neutral and polar, at codon 393 of the PITRM1 protein (p.Ile393Thr). This variant is present in population databases (rs780100902, gnomAD 0.03%). This variant has not been reported in the literature in individuals affected with PITRM1-related conditions. Algorithms developed to predict the effect of missense changes on protein structure and function are either unavailable or do not agree on the potential impact of this missense change (SIFT: "Deleterious"; PolyPhen-2: "Probably Damaging"; Align-GVGD: "Class C0"). In summary, the available evidence is currently insufficient to determine the role of this variant in disease. Therefore, it has been classified as a Variant of Uncertain Significance.

NM_014889.4(PITRM1):c.1274T>C (p.Ile425Thr)

Gene: PITRM1 (pitrilysin metallopeptidase 1; minus strand). Cytogenetic location: 10p15.2.
Variant type: single nucleotide variant.
Coding change: c.1274T>C on transcript NM_014889.4 (MANE Select); coding-DNA position 1274, T replaced by C.
Protein change: p.Ile425Thr; replaces isoleucine 425 with threonine.
Molecular consequence: missense variant. On other transcripts: 5 prime UTR variant (1), non-coding transcript variant (4).
Genome position (GRCh38, 1-based): chr10:3,157,508, A>G on the plus strand (T>C on the coding strand, the complement: PITRM1 is on the minus strand). VCF-style: chr10-3157508-A-G. GRCh37 (hg19) VCF-style: chr10-3199700-A-G.
Other names: c.1274T>C, p.Ile425Thr (NM_001242307.2, NM_001347725.2); c.1178T>C, p.Ile393Thr (NM_001242309.1); c.659T>C, p.Ile220Thr (NM_001347726.2, NM_001347727.2); c.-32T>C (NM_001347728.2); c.1250T>C, p.Ile417Thr (NM_001347729.1, NM_001347730.1); c.1274T>C (NM_001242307.1); short protein forms I417T, I220T, I393T, I425T.
Identifiers: ClinVar variation 1404203 (VCV001404203.5), dbSNP rs780100902, ClinGen allele CA5387855.